The following is an entry in ClinVar:

NM_001283009.2(RTEL1):c.3557G>T (p.Arg1186Ile)

Genes: RTEL1 (regulator of telomere elongation helicase 1; plus strand), RTEL1-TNFRSF6B (RTEL1-TNFRSF6B readthrough (NMD candidate); plus strand). Cytogenetic location: 20q13.33.
Variant type: single nucleotide variant.
Coding change: c.3557G>T on transcript NM_001283009.2 (MANE Select); coding-DNA position 3557, G replaced by T.
Protein change: p.Arg1186Ile; replaces arginine 1186 with isoleucine.
Molecular consequence: missense variant. On other transcripts: non-coding transcript variant (1).
Genome position (GRCh38, 1-based): chr20:63,695,385, G>T. VCF-style: chr20-63695385-G-T. GRCh37 (hg19) VCF-style: chr20-62326738-G-T.
Other names: c.2888G>T, p.Arg963Ile (NM_001283010.1); c.3557G>T, p.Arg1186Ile (NM_016434.4); c.3629G>T, p.Arg1210Ile (NM_032957.5); short protein forms R1210I, R963I, R1186I.
Identifiers: ClinVar variation 3790961 (VCV003790961.1).

ClinVar aggregate classification (germline): Uncertain significance (1 of 4 stars; one submission).

Conditions:
Inborn genetic diseases. Identifiers: MedGen C0950123, MeSH D030342.

Submission:

Ambry Genetics
Classification: Uncertain significance for Inborn genetic diseases. Last evaluated: 2024-12-13. Review status: criteria provided, single submitter. Criteria: Ambry Variant Classification Scheme 2023. Collection method: clinical testing. Allele origin: germline.
Comment: The p.R1186I variant (also known as c.3557G>T), located in coding exon 33 of the RTEL1 gene, results from a G to T substitution at nucleotide position 3557. The arginine at codon 1186 is replaced by isoleucine, an amino acid with similar properties. This amino acid position is conserved. In addition, this alteration is predicted to be tolerated by in silico analysis. Based on the available evidence, the clinical significance of this variant remains unclear.